The following is an entry in ClinVar:

NM_014850.4(SRGAP3):c.2554G>A (p.Gly852Ser)

Gene: SRGAP3 (SLIT-ROBO Rho GTPase activating protein 3; minus strand). Cytogenetic location: 3p25.3.
Variant type: single nucleotide variant.
Coding change: c.2554G>A on transcript NM_014850.4 (MANE Select); coding-DNA position 2554, G replaced by A.
Protein change: p.Gly852Ser; replaces glycine 852 with serine.
Molecular consequence: missense variant.
Genome position (GRCh38, 1-based): chr3:8,992,910, C>T on the plus strand (G>A on the coding strand, the complement: SRGAP3 is on the minus strand). VCF-style: chr3-8992910-C-T. GRCh37 (hg19) VCF-style: chr3-9034594-C-T.
Other names: c.2482G>A, p.Gly828Ser (NM_001033117.3); c.2554G>A (NM_014850.3); short protein forms G828S, G852S.
Identifiers: ClinVar variation 1209979 (VCV001209979.3), dbSNP rs201629131, ClinGen allele CA2237437.

ClinVar aggregate classification (germline): Uncertain significance. Review status: no assertion criteria provided (0 of 4 stars). 3 submissions from 3 submitters: Uncertain significance (3). Last evaluated 2024-04-22.

Conditions:
SRGAP3-related disorder. Also called: SRGAP3-related condition.

Allele frequency attached by ClinVar (database versions not stated): ExAC 0.00003; gnomAD exomes 0.00003 and 0.00005; TOPMed 0.00004; gnomAD 0.00008 and 0.00009.
gnomAD v4.1: 88 of 1,614,060 alleles (0.0055%); highest among the groups gnomAD compares: Non-Finnish European, 0.0073%; no homozygotes.

Submissions (3):

PreventionGenetics, part of Exact Sciences
Classification: Uncertain significance for SRGAP3-related condition. Last evaluated: 2024-04-22. Review status: no assertion criteria provided. Collection method: clinical testing. Allele origin: germline.
Comment: The SRGAP3 c.2554G>A variant is predicted to result in the amino acid substitution p.Gly852Ser. To our knowledge, this variant has not been reported in the literature. This variant is reported in 0.0085% of alleles in individuals of European (Non-Finnish) descent in gnomAD. At this time, the clinical significance of this variant is uncertain due to the absence of conclusive functional and genetic evidence.

Clinical Genetics DNA and cytogenetics Diagnostics Lab, Erasmus MC, Erasmus Medical Center
Classification: Uncertain significance. Review status: no assertion criteria provided. Collection method: clinical testing. Allele origin: germline. Affected: yes. Study: VKGL Data-share Consensus.

Genome Diagnostics Laboratory, Amsterdam University Medical Center
Classification: Uncertain significance. Review status: no assertion criteria provided. Collection method: clinical testing. Allele origin: germline. Affected: yes. Study: VKGL Data-share Consensus.